The following is an entry in ClinVar:

NM_005902.4(SMAD3):c.871G>C (p.Gly291Arg)

Gene: SMAD3 (SMAD family member 3; plus strand). Cytogenetic location: 15q22.33.
Variant type: single nucleotide variant.
Coding change: c.871G>C on transcript NM_005902.4 (MANE Select); coding-DNA position 871, G replaced by C.
Protein change: p.Gly291Arg; replaces glycine 291 with arginine.
Molecular consequence: missense variant.
Genome position (GRCh38, 1-based): chr15:67,181,453, G>C. VCF-style: chr15-67181453-G-C. GRCh37 (hg19) VCF-style: chr15-67473791-G-C.
Other names: c.556G>C, p.Gly186Arg (NM_001145102.2, NM_001407016.1); c.739G>C, p.Gly247Arg (NM_001145103.2, NM_001407012.1); c.286G>C, p.Gly96Arg (NM_001145104.2, NM_001407017.1); c.871G>C, p.Gly291Arg (NM_001407011.1, NM_001407013.1); c.724G>C, p.Gly242Arg (NM_001407014.1); c.424G>C, p.Gly142Arg (NM_001407015.1); short protein forms G242R, G247R, G291R, G186R, G96R, G142R.
Identifiers: ClinVar variation 1764442 (VCV001764442.5), dbSNP rs730880215, ClinGen allele CA392956434.
Genomic context (GRCh38, chr15:67,181,453, plus strand): 5'-CTAGGGCTGCTCTCCAATGTCAACAGGAATGCAGCAGTGGAGCTGACACGGAGACACATC[G>C]GTATGGGGTGGCTCCATTCCCCGCCCCCCCACCCTGCCCCTGCCACTCTATCCCACCCCC-3'
Protein context (NP_005893.1, residues 281-301): AAVELTRRHI[Gly291Arg]RGVRLYYIGG

ClinVar aggregate classification (germline): Uncertain significance. Review status: criteria provided, multiple submitters, no conflicts (2 of 4 stars). 2 submissions from 2 submitters: Uncertain significance (2). Last evaluated 2025-12-08.

Conditions:
Familial thoracic aortic aneurysm and aortic dissection (TAAD). Also called: Thoracic aortic aneurysms and dissections. Identifiers: Orphanet 91387, MedGen C4707243, MONDO:0019625.

Submissions (2):

Labcorp Genetics (formerly Invitae), Labcorp
Classification: Uncertain significance for Familial thoracic aortic aneurysm and aortic dissection. Last evaluated: 2025-12-08. Review status: criteria provided, single submitter. Criteria: Invitae Variant Classification Sherloc (09022015). Collection method: clinical testing. Allele origin: germline.
Comment: This sequence change replaces glycine, which is neutral and non-polar, with arginine, which is basic and polar, at codon 291 of the SMAD3 protein (p.Gly291Arg). This variant also falls at the last nucleotide of exon 6, which is part of the consensus splice site for this exon. This variant is not present in population databases (gnomAD no frequency). This missense change has been observed in individual(s) with thoracic aortic aneurysm and dissection (internal data). ClinVar contains an entry for this variant (Variation ID: 1764442). An algorithm developed to predict the effect of missense changes on protein structure and function (PolyPhen-2) suggests that this variant is likely to be disruptive. Variants that disrupt the consensus splice site are a relatively common cause of aberrant splicing (PMID: 17576681, 9536098). Algorithms developed to predict the effect of sequence changes on RNA splicing suggest that this variant may disrupt the consensus splice site. In summary, the available evidence is currently insufficient to determine the role of this variant in disease. Therefore, it has been classified as a Variant of Uncertain Significance.

Ambry Genetics
Classification: Uncertain significance for Familial thoracic aortic aneurysm and aortic dissection. Last evaluated: 2019-10-30. Review status: criteria provided, single submitter. Criteria: Ambry Variant Classification Scheme 2023. Collection method: clinical testing. Allele origin: germline.
Comment: The p.G291R variant (also known as c.871G>C), located in coding exon 6 of the SMAD3 gene, results from a G to C substitution at nucleotide position 871. The amino acid change results in glycine to arginine at codon 291, an amino acid with dissimilar properties. However, this change occurs in the last base pair of coding exon 6, which makes it likely to have some effect on normal mRNA splicing. This amino acid position is highly conserved in available vertebrate species. Using the BDGP and ESEfinder splice site prediction tools, this alteration is predicted to abolish the native splice donor site; however, direct evidence is unavailable. In addition, this alteration is predicted to be deleterious by in silico analysis. Since supporting evidence is limited at this time, the clinical significance of this alteration remains unclear.

Literature cited by the submitters: PubMed 17576681 (cited by Labcorp Genetics (formerly Invitae), Labcorp); PubMed 9536098 (cited by Labcorp Genetics (formerly Invitae), Labcorp).